The following is an entry in ClinVar:

ClinVar aggregate classification (germline): Pathogenic/Likely pathogenic. Review status: criteria provided, multiple submitters, no conflicts (2 of 4 stars). 4 submissions from 4 submitters: Pathogenic (2); Likely pathogenic (1). 1 of the submissions does not count toward it. Last evaluated 2023-08-02.

Conditions:
Hereditary cancer-predisposing syndrome. Also called: Hereditary Cancer Syndrome; Hereditary neoplastic syndrome; Tumor predisposition; Neoplastic Syndromes, Hereditary. Identifiers: Orphanet 140162, MedGen C0027672, MeSH D009386, MONDO:0015356.
Nijmegen breakage syndrome-like disorder (NBSLD). Also called: MICROCEPHALY AND SPONTANEOUS CHROMOSOME INSTABILITY WITHOUT IMMUNODEFICIENCY; NBS-LIKE DISORDER; RAD50 DEFICIENCY. Identifiers: Orphanet 240760, MedGen C2751318, MONDO:0013118, OMIM 613078.

Allele frequency attached by ClinVar (database versions not stated): gnomAD exomes below 0.00001; ExAC 0.00001.
gnomAD v4.1: 3 of 1,613,932 alleles (0.00019%); highest among the groups gnomAD compares: Non-Finnish European, 0.00025%; no homozygotes.

Submissions (4):

Labcorp Genetics (formerly Invitae), Labcorp
Classification: Pathogenic for Hereditary cancer-predisposing syndrome. Last evaluated: 2023-08-02. Review status: criteria provided, single submitter. Criteria: Invitae Variant Classification Sherloc (09022015). Collection method: clinical testing. Allele origin: germline.
Comment: This variant has not been reported in the literature in individuals affected with RAD50-related conditions. This variant is present in population databases (rs104895046, gnomAD 0.0009%). This sequence change creates a premature translational stop signal (p.Gln372*) in the RAD50 gene. It is expected to result in an absent or disrupted protein product. Loss-of-function variants in RAD50 are known to be pathogenic (PMID: 19409520). For these reasons, this variant has been classified as Pathogenic. ClinVar contains an entry for this variant (Variation ID: 126999).

Baylor Genetics
Classification: Likely pathogenic for Nijmegen breakage syndrome-like disorder. Last evaluated: 2023-04-20. Review status: criteria provided, single submitter. Criteria: ACMG Guidelines, 2015. Collection method: clinical testing. Allele origin: unknown.

Ambry Genetics
Classification: Pathogenic for Hereditary cancer-predisposing syndrome. Last evaluated: 2016-11-01. Review status: criteria provided, single submitter. Criteria: Ambry Variant Classification Scheme 2023. Collection method: clinical testing. Allele origin: germline.
Comment: The p.Q372* pathogenic mutation (also known as c.1114C>T), located in coding exon 8 of the RAD50 gene, results from a C to T substitution at nucleotide position 1114. This changes the amino acid from a glutamine to a stop codon within coding exon 8. One study assessed the role of this mutation in the primary antibody deficiency syndromes IgAD and CVID, and found that cell lines harboring this mutation displayed an impaired ability of the MRN complex to repair ionizing radiation-induced DNA double strand breaks, suggesting an increased sensitivity to ionizing radiation (Offer SM et al. PLoS ONE, 2010 Aug;5:e12260). In addition to the clinical data presented in the literature, this alteration is expected to result in loss of function by premature protein truncation or nonsense-mediated mRNA decay. As such, this alteration is interpreted as a disease-causing mutation.

Harris Lab, University of Minnesota
No classification provided. Review status: no classification provided. Collection method: not provided. Allele origin: unknown. Not counted in ClinVar's aggregate classification.

Literature cited by the submitters: PubMed 19409520 (cited by Labcorp Genetics (formerly Invitae), Labcorp); PubMed 20805886 (cited by Ambry Genetics).

NM_005732.4(RAD50):c.1114C>T (p.Gln372Ter)

Gene: RAD50 (RAD50 double strand break repair protein; plus strand). Cytogenetic location: 5q31.1.
Variant type: single nucleotide variant.
Coding change: c.1114C>T on transcript NM_005732.4 (MANE Select); coding-DNA position 1114, C replaced by T.
Protein change: p.Gln372Ter; replaces glutamine 372 with a stop codon.
Molecular consequence: nonsense.
Genome position (GRCh38, 1-based): chr5:132,588,749, C>T. VCF-style: chr5-132588749-C-T. GRCh37 (hg19) VCF-style: chr5-131924441-C-T.
Other names: short protein forms Q372*.
Identifiers: ClinVar variation 126999 (VCV000126999.13), dbSNP rs104895046, ClinGen allele CA230716.